The following is an entry in ClinVar:

NM_001999.4(FBN2):c.2260G>C (p.Gly754Arg)

Gene: FBN2 (fibrillin 2; minus strand). Cytogenetic location: 5q23.3.
Variant type: single nucleotide variant.
Coding change: c.2260G>C on transcript NM_001999.4 (MANE Select); coding-DNA position 2260, G replaced by C.
Protein change: p.Gly754Arg; replaces glycine 754 with arginine.
Molecular consequence: missense variant.
Genome position (GRCh38, 1-based): chr5:128,366,419, C>G on the plus strand (G>C on the coding strand, the complement: FBN2 is on the minus strand). VCF-style: chr5-128366419-C-G. GRCh37 (hg19) VCF-style: chr5-127702112-C-G.
Other names: short protein forms G754R.
Identifiers: ClinVar variation 840658 (VCV000840658.10), dbSNP rs145259927, ClinGen allele CA360768588.

ClinVar aggregate classification (germline): Uncertain significance (1 of 4 stars; one submission).

Conditions:
Congenital contractural arachnodactyly (CCA). Also called: BEALS SYNDROME; Arthrogryposis, distal, type 9; Beals-Hecht syndrome. Identifiers: Orphanet 115, MedGen C0220668, MONDO:0007363, OMIM 121050.

gnomAD v4.1: 3 of 1,603,218 alleles (0.00019%); highest among the groups gnomAD compares: Non-Finnish European, 0.00017%; no homozygotes.

Submission:

Labcorp Genetics (formerly Invitae), Labcorp
Classification: Uncertain significance for Congenital contractural arachnodactyly. Last evaluated: 2022-11-01. Review status: criteria provided, single submitter. Criteria: Invitae Variant Classification Sherloc (09022015). Collection method: clinical testing. Allele origin: germline.
Comment: Advanced modeling of protein sequence and biophysical properties (such as structural, functional, and spatial information, amino acid conservation, physicochemical variation, residue mobility, and thermodynamic stability) performed at Invitae indicates that this missense variant is not expected to disrupt FBN2 protein function. In summary, the available evidence is currently insufficient to determine the role of this variant in disease. Therefore, it has been classified as a Variant of Uncertain Significance. ClinVar contains an entry for this variant (Variation ID: 840658). This variant has not been reported in the literature in individuals affected with FBN2-related conditions. This variant is not present in population databases (gnomAD no frequency). This sequence change replaces glycine, which is neutral and non-polar, with arginine, which is basic and polar, at codon 754 of the FBN2 protein (p.Gly754Arg).